The following is an entry in ClinVar:

NM_001035.3(RYR2):c.12365_12367del (p.Ala4122del)

Gene: RYR2 (ryanodine receptor 2; plus strand). Cytogenetic location: 1q43.
Variant type: Deletion.
Coding change: c.12365_12367del on transcript NM_001035.3 (MANE Select); coding-DNA positions 12365 to 12367, 3 bases deleted (CAG; older notation c.12365_12367delCAG).
Protein change: p.Ala4122del; deletes alanine 4122.
Molecular consequence: inframe deletion.
Genome position (GRCh38, 1-based): chr1:237,784,077-237,784,079, CAG deleted; deleting any 3 consecutive bases within chr1:237,784,075-237,784,079 gives the same sequence; the c. name uses the placement nearest the transcript's 3' end. VCF-style (leftmost placement, unchanged base first): chr1-237784074-TAGC-T. GRCh37 (hg19) VCF-style: chr1-237947374-TAGC-T.
Other names: short protein forms A4122del.
Identifiers: ClinVar variation 930999 (VCV000930999.3), dbSNP rs1695350400, ClinGen allele CA1139656705.
Genomic context (GRCh38, chr1:237,784,074, plus strand): 5'-TTCTGACAAACCTCTCTGAGCACATGCCCAACGATACCCGACTTCAGACTTTTCTGGAAT[TAGC>T]AGAGAGCGTCCTGAATTATTTCCAGCCCTTTCTGGGCCGCATCGAAATCATGGGAAGCGC-3'

ClinVar aggregate classification (germline): Uncertain significance (1 of 4 stars; one submission).

Conditions:
Catecholaminergic polymorphic ventricular tachycardia 1. Also called: VENTRICULAR TACHYCARDIA, CATECHOLAMINERGIC POLYMORPHIC, 1, WITH OR WITHOUT ATRIAL DYSFUNCTION AND/OR DILATED CARDIOMYOPATHY; VENTRICULAR TACHYCARDIA, STRESS-INDUCED POLYMORPHIC 1; RYR2-Related Catecholaminergic Polymorphic Ventricular Tachycardia. Identifiers: Orphanet 3286, MedGen C1631597, MONDO:0011484, OMIM 604772.

Submission:

Centre for Mendelian Genomics, University Medical Centre Ljubljana
Classification: Uncertain significance for Catecholaminergic polymorphic ventricular tachycardia 1. Last evaluated: 2016-01-01. Review status: criteria provided, single submitter. Criteria: ACMG Guidelines, 2015. Collection method: clinical testing. Allele origin: unknown. Affected: yes.
Comment: This variant was classified as: Uncertain significance. The following ACMG criteria were applied in classifying this variant: PM2,PM4,PP4.